The following is an entry in ClinVar:

ClinVar aggregate classification (germline): Benign/Likely benign. Review status: criteria provided, multiple submitters, no conflicts (2 of 4 stars). 3 submissions from 3 submitters: Benign (1); Likely benign (2). Last evaluated 2026-07-01.

Allele frequency attached by ClinVar (database versions not stated): 1000 Genomes Project 30x 0.00109; 1000 Genomes Project 0.00120; gnomAD exomes 0.00139 and 0.00245; ExAC 0.00142; ESP Exome Variant Server 0.00269; TOPMed 0.00145; gnomAD 0.00147 and 0.00151.
gnomAD v4.1: 3,781 of 1,613,486 alleles (0.23%); highest among the groups gnomAD compares: Non-Finnish European, 0.29%; 7 homozygotes.

Submissions (3):

CeGaT Center for Human Genetics Tuebingen
Classification: Likely benign. Last evaluated: 2026-07-01. Review status: criteria provided, single submitter. Criteria: CeGaT Center For Human Genetics Tuebingen Variant Classification Criteria Version 2. Collection method: clinical testing. Allele origin: germline. Affected: yes. Observed: 2 variant alleles.
Comment: DNAH9: PP3, BS2

Labcorp Genetics (formerly Invitae), Labcorp
Classification: Benign. Last evaluated: 2026-01-27. Review status: criteria provided, single submitter. Criteria: Invitae Variant Classification Sherloc (09022015). Collection method: clinical testing. Allele origin: germline.

Blueprint Genetics
Classification: Likely benign. Last evaluated: 2024-11-13. Review status: criteria provided, single submitter. Criteria: ACMG Guidelines, 2015. Collection method: clinical testing. Allele origin: germline.

NM_001372.4(DNAH9):c.4873-15G>A

Genes: DNAH9 (dynein axonemal heavy chain 9; plus strand), LOC126862506 (BRD4-independent group 4 enhancer GRCh37_chr17:11602804-11604003; plus strand). Cytogenetic location: 17p12.
Variant type: single nucleotide variant.
Coding change: c.4873-15G>A on transcript NM_001372.4 (MANE Select); 15 bases into the intron before coding-DNA position 4873, G replaced by A.
Molecular consequence: intron variant.
Genome position (GRCh38, 1-based): chr17:11,699,716, G>A. VCF-style: chr17-11699716-G-A. GRCh37 (hg19) VCF-style: chr17-11603033-G-A.
Identifiers: ClinVar variation 1583332 (VCV001583332.11), dbSNP rs144537633, ClinGen allele CA8395834.